The following is an entry in ClinVar:

NM_006160.4(NEUROD2):c.12C>T (p.Arg4=)

Gene: NEUROD2 (neuronal differentiation 2; minus strand). Cytogenetic location: 17q12.
Variant type: single nucleotide variant.
Coding change: c.12C>T on transcript NM_006160.4 (MANE Select); coding-DNA position 12, C replaced by T.
Protein change: p.Arg4=; no amino-acid change (arginine 4 retained).
Molecular consequence: synonymous variant.
Genome position (GRCh38, 1-based): chr17:39,606,588, G>A on the plus strand (C>T on the coding strand, the complement: NEUROD2 is on the minus strand). VCF-style: chr17-39606588-G-A. GRCh37 (hg19) VCF-style: chr17-37762841-G-A.
Identifiers: ClinVar variation 780423 (VCV000780423.6), dbSNP rs114810359, ClinGen allele CA8531882.

ClinVar aggregate classification (germline): Benign. Review status: criteria provided, multiple submitters, no conflicts (2 of 4 stars). 3 submissions from 3 submitters: Benign (2). 1 of the submissions does not count toward it. Last evaluated 2018-07-26.

Conditions:
NEUROD2-related disorder. Also called: NEUROD2-related condition.

Allele frequency attached by ClinVar (database versions not stated): gnomAD exomes 0.00300 and 0.00135; ExAC 0.00575; 1000 Genomes Project 0.01438; 1000 Genomes Project 30x 0.01468; gnomAD 0.01638 and 0.01530; ESP Exome Variant Server 0.01423; TOPMed 0.01646.
gnomAD v4.1: 4,357 of 1,578,158 alleles (0.28%); highest among the groups gnomAD compares: African/African-American, 5.3%; 111 homozygotes.

Submissions (3):

Labcorp Genetics (formerly Invitae), Labcorp
Classification: Benign. Last evaluated: 2018-07-26. Review status: criteria provided, single submitter. Criteria: Invitae Variant Classification Sherloc (09022015). Collection method: clinical testing. Allele origin: germline.

Breakthrough Genomics
Classification: Benign. Review status: criteria provided, single submitter. Criteria: ACMG Guidelines, 2015. Collection method: not provided. Allele origin: germline. Inheritance: Autosomal dominant inheritance. Affected: yes.

PreventionGenetics, part of Exact Sciences
Classification: Benign for NEUROD2-related condition. Last evaluated: 2019-11-06. Review status: no assertion criteria provided. Collection method: clinical testing. Allele origin: germline. Not counted in ClinVar's aggregate classification.
Comment: This variant is classified as benign based on ACMG/AMP sequence variant interpretation guidelines (Richards et al. 2015 PMID: 25741868, with internal and published modifications).